The following is an entry in ClinVar:

ClinVar aggregate classification (germline): Benign. Review status: reviewed by expert panel (3 of 4 stars). 13 submissions from 11 submitters: Benign (1). 12 of the submissions do not count toward it. Last evaluated 2024-08-13.

Conditions:
Hereditary von Willebrand disease. Identifiers: Orphanet 903, MedGen C5703318, MONDO:0019565. Inheritance: Autosomal recessive or Autosomal dominant.
von Willebrand disease type 2 (VWD2). Also called: VON WILLEBRAND DISEASE, TYPE 2A/IIE; VON WILLEBRAND DISEASE, TYPE 2CB; VON WILLEBRAND DISEASE, TYPE II; VWD, TYPE 2. Identifiers: Orphanet 166081, Orphanet 903, MedGen C1264040, MONDO:0013304, OMIM 613554.
von Willebrand disease type 1 (VWD1). Also called: VON WILLEBRAND DISEASE, TYPE I; VWD, TYPE 1. Identifiers: Orphanet 166078, Orphanet 903, MedGen C1264039, MONDO:0008668, OMIM 193400. Inheritance: autosomal recessive or autosomal dominant.
von Willebrand disease type 3 (VWD3). Also called: Type 3 Von Willebrand's disease; Type 3 VWD; Von Willebrand disease, severe form; V WD3; VON WILLEBRAND DISEASE, TYPE III. Identifiers: Orphanet 166096, MedGen C1264041, MONDO:0010191, OMIM 277480.
von Willebrand disease type 2M (VWD2M). Identifiers: Orphanet 166090, MedGen C1282974, MONDO:0015630.

Allele frequency attached by ClinVar (database versions not stated): ESP Exome Variant Server 0.17608; TOPMed 0.22618; 1000 Genomes Project 0.23323; 1000 Genomes Project 30x 0.24266.
gnomAD v4.1: 184,118 of 1,613,312 alleles (11%); highest among the groups gnomAD compares: African/African-American, 51%; 17,108 homozygotes.

Submissions (13):

ClinGen von Willebrand Disease Variant Curation Expert Panel, ClinGen
Classification: Benign for Hereditary von Willebrand disease. Last evaluated: 2024-08-13. Review status: reviewed by expert panel. Criteria: ClinGen VWD 2A B M Rules. Collection method: curation. Allele origin: germline.
Comment: The missense variant NM_000552.5(VWF):c.4414G>C (p.Asp1472His) is common in the general population with Grpmax filtering allele frequency of 0.5033 in gnomAD v4.1 (based on 38011/74882 alleles in the African/African American population). This is above the threshold of >0.1 (BA1). The computational predictor REVEL gives a score of 0.188, which is below the ClinGen VWD VCEP threshold of <0.290 and does not predict a damaging effect on VWF function (BP4). Additionally, the computational splicing predictor SpliceAI does not predict an impact to splicing with this variant. This variant does appear to impact laboratory values; the mean VWF:RCo/VWF:Ag ratio of 0.75-0.82 was significantly reduced compared to 0.91-0.97 for WT in 275 healthy adult individuals harboring the Asp1472His variant (PMID:20231421). In summary this variant meets criteria to be classified as benign for von Willebrand disease based on the ACMG/AMP criteria applied, as specified by the ClinGen VWD: BA1, BP4.

Blueprint Genetics
Classification: Benign. Last evaluated: 2024-11-27. Review status: criteria provided, single submitter. Criteria: ACMG Guidelines, 2015. Collection method: clinical testing. Allele origin: germline. Not counted in ClinVar's aggregate classification.

Women's Health and Genetics/Laboratory Corporation of America, LabCorp
Classification: Likely benign. Last evaluated: 2024-08-14. Review status: criteria provided, single submitter. Criteria: LabCorp Variant Classification Summary - May 2015. Collection method: clinical testing. Allele origin: germline. Not counted in ClinVar's aggregate classification.

ARUP Laboratories, Molecular Genetics and Genomics, ARUP Laboratories
Classification: Benign. Last evaluated: 2023-11-29. Review status: criteria provided, single submitter. Criteria: ARUP Molecular Germline Variant Investigation Process 2024. Collection method: clinical testing. Allele origin: germline. Not counted in ClinVar's aggregate classification.

Quest Diagnostics Nichols Institute San Juan Capistrano
Classification: Benign. Last evaluated: 2023-02-20. Review status: criteria provided, single submitter. Criteria: Quest Diagnostics criteria. Collection method: clinical testing. Allele origin: unknown. Not counted in ClinVar's aggregate classification.

Genome-Nilou Lab
Classification: Benign for von Willebrand disease type 1. Last evaluated: 2021-12-05. Review status: criteria provided, single submitter. Criteria: ACMG Guidelines, 2015. Collection method: clinical testing. Allele origin: germline. Affected: no. Not counted in ClinVar's aggregate classification.

Genome-Nilou Lab
Classification: Benign for von Willebrand disease type 3. Last evaluated: 2021-12-05. Review status: criteria provided, single submitter. Criteria: ACMG Guidelines, 2015. Collection method: clinical testing. Allele origin: germline. Affected: no. Not counted in ClinVar's aggregate classification.

Genome-Nilou Lab
Classification: Benign for von Willebrand disease type 2. Last evaluated: 2021-12-05. Review status: criteria provided, single submitter. Criteria: ACMG Guidelines, 2015. Collection method: clinical testing. Allele origin: germline. Affected: no. Not counted in ClinVar's aggregate classification.

Versiti Diagnostic Laboratories, Versiti, Inc
Classification: Benign for von Willebrand disease type 2M. Last evaluated: 2017-08-04. Review status: criteria provided, single submitter. Criteria: Versiti Assertion Criteria. Collection method: clinical testing. Allele origin: germline. Observed: 587 variant alleles. Not counted in ClinVar's aggregate classification.
Comment: The missense variant c.4414G>C in exon 28 of the VWF gene changes aspartic acid at codon 1472 to histidine (p.D1472H). The p.D1472H variant is common in the general population (12%, Exome Aggregation Consortium) and frequently found in individuals of African descent (50%, Exome Aggregation Consortium). Although the p.D1472H variant is not thought to cause type 1 or 2M von Willebrand disease (Flood, 2010), individuals who are heterozygous or homozygous for p.D1472H may exhibit reduced ratio of VWF ristocetin cofactor activity to VWF antigen. However, p.D1472H does not have physiological consequences; specifically it does not affect VWF multimer distribution or ristocetin-independent binding of VWF to GP1b complex, and does not result in increased risk for bleeding. In summary, VWF c.4414G>C, p.D1472H, is a benign variant with respect to von Willebrand disease.

Breakthrough Genomics
Classification: Likely benign. Review status: criteria provided, single submitter. Criteria: ACMG Guidelines, 2015. Collection method: not provided. Allele origin: germline. Inheritance: Autosomal recessive inheritance. Affected: yes. Not counted in ClinVar's aggregate classification.

PreventionGenetics, part of Exact Sciences
Classification: Benign. Review status: criteria provided, single submitter. Criteria: ACMG Guidelines, 2015. Collection method: clinical testing. Allele origin: germline. Not counted in ClinVar's aggregate classification.

Genome Diagnostics Laboratory, University Medical Center Utrecht
Classification: Benign. Review status: no assertion criteria provided. Collection method: clinical testing. Allele origin: germline. Affected: yes. Study: VKGL Data-share Consensus. Not counted in ClinVar's aggregate classification.

Joint Genome Diagnostic Labs from Nijmegen and Maastricht, Radboudumc and MUMC+
Classification: Benign. Review status: no assertion criteria provided. Collection method: clinical testing. Allele origin: germline. Affected: yes. Study: VKGL Data-share Consensus. Not counted in ClinVar's aggregate classification.

Literature cited by the submitters: PubMed 20231421 (cited by Versiti Diagnostic Laboratories, Versiti, Inc).

NM_000552.5(VWF):c.4414G>C (p.Asp1472His)

Gene: VWF (von Willebrand factor; minus strand). Cytogenetic location: 12p13.31.
Variant type: single nucleotide variant.
Coding change: c.4414G>C on transcript NM_000552.5 (MANE Select); coding-DNA position 4414, G replaced by C.
Protein change: p.Asp1472His; replaces aspartic acid 1472 with histidine.
Molecular consequence: missense variant.
Genome position (GRCh38, 1-based): chr12:6,019,004, C>G on the plus strand (G>C on the coding strand, the complement: VWF is on the minus strand). VCF-style: chr12-6019004-C-G. GRCh37 (hg19) VCF-style: chr12-6128170-C-G.
Other names: NM_000552.5(VWF):c.4414G>C; c.4414G>C (NM_000552.4); short protein forms D1472H.
Identifiers: ClinVar variation 256679 (VCV000256679.23), dbSNP rs1800383, ClinGen allele CA6402534.